The following is an entry in ClinVar:

NM_000553.6(WRN):c.3830C>G (p.Ala1277Gly)

Gene: WRN (WRN RecQ like helicase; plus strand). Cytogenetic location: 8p12.
Variant type: single nucleotide variant.
Coding change: c.3830C>G on transcript NM_000553.6 (MANE Select); coding-DNA position 3830, C replaced by G.
Protein change: p.Ala1277Gly; replaces alanine 1277 with glycine.
Molecular consequence: missense variant.
Genome position (GRCh38, 1-based): chr8:31,157,378, C>G. VCF-style: chr8-31157378-C-G. GRCh37 (hg19) VCF-style: chr8-31014894-C-G.
Other names: short protein forms A1277G.
Identifiers: ClinVar variation 911138 (VCV000911138.10), dbSNP rs199849137, ClinGen allele CA4705191.

ClinVar aggregate classification (germline): Uncertain significance. Review status: criteria provided, multiple submitters, no conflicts (2 of 4 stars). 2 submissions from 2 submitters: Uncertain significance (2). Last evaluated 2024-10-15.

Conditions:
Werner syndrome (WRN). Identifiers: Orphanet 902, MedGen C0043119, MONDO:0010196, OMIM 277700.

Allele frequency attached by ClinVar (database versions not stated): gnomAD exomes below 0.00001 and 0.00002; gnomAD 0.00001; TOPMed 0.00001; ExAC 0.00002; 1000 Genomes Project 30x 0.00016; 1000 Genomes Project 0.00020.
gnomAD v4.1: 3 of 1,613,986 alleles (0.00019%); highest among the groups gnomAD compares: East Asian, 0.0067%; no homozygotes.

Submissions (2):

Labcorp Genetics (formerly Invitae), Labcorp
Classification: Uncertain significance for Werner syndrome. Last evaluated: 2024-10-15. Review status: criteria provided, single submitter. Criteria: Invitae Variant Classification Sherloc (09022015). Collection method: clinical testing. Allele origin: germline.
Comment: This sequence change replaces alanine, which is neutral and non-polar, with glycine, which is neutral and non-polar, at codon 1277 of the WRN protein (p.Ala1277Gly). This variant is present in population databases (rs199849137, gnomAD 0.02%). This variant has not been reported in the literature in individuals affected with WRN-related conditions. ClinVar contains an entry for this variant (Variation ID: 911138). An algorithm developed to predict the effect of missense changes on protein structure and function (PolyPhen-2) suggests that this variant is likely to be disruptive. In summary, the available evidence is currently insufficient to determine the role of this variant in disease. Therefore, it has been classified as a Variant of Uncertain Significance.

Illumina Laboratory Services, Illumina
Classification: Uncertain significance for Werner syndrome. Last evaluated: 2018-01-13. Review status: criteria provided, single submitter. Criteria: ICSL Variant Classification Criteria 13 December 2019. Collection method: clinical testing. Allele origin: germline.